The following is an entry in ClinVar:

ClinVar aggregate classification (germline): Likely pathogenic (1 of 4 stars; one submission).

Conditions:
Congenital hyperammonemia, type I. Also called: Carbamoyl phosphate synthetase I deficiency disease; CPS I DEFICIENCY; Carbamoyl phosphate synthetase 1 deficiency; Hyperammonemia due to carbamoyl phosphate synthetase 1 deficiency; CPS 1 deficiency; Carbamyl phosphate synthetase (CPS) deficiency. Identifiers: Orphanet 147, MedGen C4082171, MONDO:0009376, OMIM 237300.

Submission:

Natera, Inc.
Classification: Likely pathogenic for Carbamoyl-phosphate synthase I deficiency. Last evaluated: 2025-08-07. Review status: criteria provided, single submitter. Criteria: Natera Variant Classification Schema (03/2026). Collection method: clinical testing. Allele origin: germline.
Comment: The c.1287_1290del variant in CPS1 is a frameshift variant predicted to shift the reading frame beginning at codon 430 and leads to a stop codon 19 codons downstream. This variant is expected to result in nonsense mediated decay, truncation, or a dysfunctional protein product. This variant is rare in the general population with a frequency below the threshold expected for the associated phenotype(s). Given the available evidence, this variant is classified as Likely Pathogenic.

NM_001875.5(CPS1):c.1287_1290del (p.Ser430fs)

Gene: CPS1 (carbamoyl-phosphate synthase 1; plus strand). Cytogenetic location: 2q34.
Variant type: Deletion.
Coding change: c.1287_1290del on transcript NM_001875.5 (MANE Select); coding-DNA positions 1287 to 1290, 4 bases deleted (ATCA; older notation c.1287_1290delATCA).
Protein change: p.Ser430fs; shifts the reading frame from serine 430.
Molecular consequence: frameshift variant. On other transcripts: non-coding transcript variant (2).
Genome position (GRCh38, 1-based): chr2:210,595,510-210,595,513, ATCA deleted. VCF-style (leftmost placement, unchanged base first): chr2-210595509-GATCA-G. GRCh37 (hg19) VCF-style: chr2-211460233-GATCA-G.
Other names: c.1287_1290del, p.Ser430fs (NM_001122633.3, NM_001369257.1); c.1320_1323del, p.Ser441fs (NM_001369256.1); c.1287_1290delATCA, p.Ser430Glufs (NM_001875.4); short protein forms S430fs, S441fs.
Identifiers: ClinVar variation 4814940 (VCV004814940.1).